The following is an entry in ClinVar:

ClinVar aggregate classification (germline): Uncertain significance (1 of 4 stars; one submission).

Allele frequency attached by ClinVar (database versions not stated): TOPMed below 0.00001; ExAC 0.00001; gnomAD 0.00001; gnomAD exomes 0.00001.

Submission:

Labcorp Genetics (formerly Invitae), Labcorp
Classification: Uncertain significance. Last evaluated: 2021-08-26. Review status: criteria provided, single submitter. Criteria: Invitae Variant Classification Sherloc (09022015). Collection method: clinical testing. Allele origin: germline.
Comment: This sequence change replaces glutamic acid with lysine at codon 464 of the MME protein (p.Glu464Lys). The glutamic acid residue is highly conserved and there is a small physicochemical difference between glutamic acid and lysine. This variant is present in population databases (rs200864897, ExAC 0.006%). This variant has not been reported in the literature in individuals affected with MME-related conditions. Algorithms developed to predict the effect of missense changes on protein structure and function are either unavailable or do not agree on the potential impact of this missense change (SIFT: "Deleterious"; PolyPhen-2: "Benign"; Align-GVGD: "Class C0"). In summary, the available evidence is currently insufficient to determine the role of this variant in disease. Therefore, it has been classified as a Variant of Uncertain Significance.

NM_007289.4(MME):c.1390G>A (p.Glu464Lys)

Gene: MME (membrane metalloendopeptidase; plus strand). Cytogenetic location: 3q25.2.
Variant type: single nucleotide variant.
Coding change: c.1390G>A on transcript NM_007289.4 (MANE Select); coding-DNA position 1390, G replaced by A.
Protein change: p.Glu464Lys; replaces glutamic acid 464 with lysine.
Molecular consequence: missense variant.
Genome position (GRCh38, 1-based): chr3:155,144,431, G>A. VCF-style: chr3-155144431-G-A. GRCh37 (hg19) VCF-style: chr3-154862220-G-A.
Other names: c.1390G>A, p.Glu464Lys (NM_000902.5, NM_001354642.2, NM_001354643.1 and 2 more transcripts); short protein forms E464K.
Identifiers: ClinVar variation 1521681 (VCV001521681.5), dbSNP rs200864897, ClinGen allele CA2675486.